The following is an entry in ClinVar:

NM_001378477.3(NYX):c.319C>G (p.Leu107Val)

Gene: NYX (nyctalopin; plus strand). Cytogenetic location: Xp11.4.
Variant type: single nucleotide variant.
Coding change: c.319C>G on transcript NM_001378477.3 (MANE Select); coding-DNA position 319, C replaced by G.
Protein change: p.Leu107Val; replaces leucine 107 with valine.
Molecular consequence: missense variant.
Genome position (GRCh38, 1-based): chrX:41,473,787, C>G. VCF-style: chrX-41473787-C-G. GRCh37 (hg19) VCF-style: chrX-41333040-C-G.
Other names: c.319C>G, p.Leu107Val (NM_022567.3); short protein forms L112V, L107V.
Identifiers: ClinVar variation 953849 (VCV000953849.10), dbSNP rs752480428, ClinGen allele CA10389805.

ClinVar aggregate classification (germline): Uncertain significance. Review status: criteria provided, multiple submitters, no conflicts (2 of 4 stars). 2 submissions from 2 submitters: Uncertain significance (2). Last evaluated 2023-11-06.

Allele frequency attached by ClinVar (database versions not stated): ExAC below 0.00001; gnomAD exomes 0.00001; gnomAD 0.00005; TOPMed 0.00008.
gnomAD v4.1: 7 of 1,135,192 alleles (0.00062%); highest among the groups gnomAD compares: African/African-American, 0.013%; no homozygotes.

Submissions (2):

Labcorp Genetics (formerly Invitae), Labcorp
Classification: Uncertain significance. Last evaluated: 2023-11-06. Review status: criteria provided, single submitter. Criteria: Invitae Variant Classification Sherloc (09022015). Collection method: clinical testing. Allele origin: germline.
Comment: This sequence change replaces leucine, which is neutral and non-polar, with valine, which is neutral and non-polar, at codon 112 of the NYX protein (p.Leu112Val). This variant is not present in population databases (gnomAD no frequency). This variant has not been reported in the literature in individuals affected with NYX-related conditions. ClinVar contains an entry for this variant (Variation ID: 953849). Advanced modeling of protein sequence and biophysical properties (such as structural, functional, and spatial information, amino acid conservation, physicochemical variation, residue mobility, and thermodynamic stability) performed at Invitae indicates that this missense variant is not expected to disrupt NYX protein function with a negative predictive value of 80%. In summary, the available evidence is currently insufficient to determine the role of this variant in disease. Therefore, it has been classified as a Variant of Uncertain Significance.

Blueprint Genetics
Classification: Uncertain significance. Last evaluated: 2022-10-06. Review status: criteria provided, single submitter. Criteria: ACMG Guidelines, 2015. Collection method: clinical testing. Allele origin: germline.